The following is an entry in ClinVar:

NM_001374353.1(GLI2):c.3404G>C (p.Gly1135Ala)

Gene: GLI2 (GLI family zinc finger 2; plus strand). Cytogenetic location: 2q14.2.
Variant type: single nucleotide variant.
Coding change: c.3404G>C on transcript NM_001374353.1 (MANE Select); coding-DNA position 3404, G replaced by C.
Protein change: p.Gly1135Ala; replaces glycine 1135 with alanine.
Molecular consequence: missense variant.
Genome position (GRCh38, 1-based): chr2:120,989,369, G>C. VCF-style: chr2-120989369-G-C. GRCh37 (hg19) VCF-style: chr2-121746945-G-C.
Other names: c.3455G>C, p.Gly1152Ala (NM_001371271.1, NM_005270.5); c.3029G>C, p.Gly1010Ala (NM_001374354.1); short protein forms G1010A, G1135A, G1152A.
Identifiers: ClinVar variation 3751856 (VCV003751856.2).

ClinVar aggregate classification (germline): Uncertain significance (1 of 4 stars; one submission).

Conditions:
Holoprosencephaly 9 (HPE9). Also called: HOLOPROSENCEPHALY WITH MICROPHTHALMIA AND FIRST BRANCHIAL ARCH ANOMALIES; PITUITARY ANOMALIES WITH HOLOPROSENCEPHALY-LIKE FEATURES. Identifiers: Orphanet 2162, MedGen C1835819, MONDO:0012563, OMIM 610829.
Postaxial polydactyly-anterior pituitary anomalies-facial dysmorphism syndrome. Also called: Culler-Jones syndrome. Identifiers: Orphanet 420584, MedGen C4014479, MONDO:0014369, OMIM 615849.

gnomAD v4.1: 80 of 1,612,880 alleles (0.005%); highest among the groups gnomAD compares: Non-Finnish European, 0.0065%; no homozygotes.

Submission:

Labcorp Genetics (formerly Invitae), Labcorp
Classification: Uncertain significance for Postaxial polydactyly-anterior pituitary anomalies-facial dysmorphism syndrome; Holoprosencephaly 9. Last evaluated: 2024-03-16. Review status: criteria provided, single submitter. Criteria: Invitae Variant Classification Sherloc (09022015). Collection method: clinical testing. Allele origin: germline.
Comment: This sequence change replaces glycine, which is neutral and non-polar, with alanine, which is neutral and non-polar, at codon 1152 of the GLI2 protein (p.Gly1152Ala). This variant is present in population databases (rs768110500, gnomAD 0.003%). This variant has not been reported in the literature in individuals affected with GLI2-related conditions. Advanced modeling of protein sequence and biophysical properties (such as structural, functional, and spatial information, amino acid conservation, physicochemical variation, residue mobility, and thermodynamic stability) performed at Invitae indicates that this missense variant is expected to disrupt GLI2 protein function with a positive predictive value of 80%. In summary, the available evidence is currently insufficient to determine the role of this variant in disease. Therefore, it has been classified as a Variant of Uncertain Significance.